The following is an entry in ClinVar:

NM_005663.5(NELFA):c.1012A>G (p.Ile338Val)

Gene: NELFA (negative elongation factor complex member A; minus strand). Cytogenetic location: 4p16.3.
Variant type: single nucleotide variant.
Coding change: c.1012A>G on transcript NM_005663.5 (MANE Select); coding-DNA position 1012, A replaced by G.
Protein change: p.Ile338Val; replaces isoleucine 338 with valine.
Molecular consequence: missense variant.
Genome position (GRCh38, 1-based): chr4:1,984,832, T>C on the plus strand (A>G on the coding strand, the complement: NELFA is on the minus strand). VCF-style: chr4-1984832-T-C. GRCh37 (hg19) VCF-style: chr4-1986559-T-C.
Other names: short protein forms I338V.
Identifiers: ClinVar variation 732754 (VCV000732754.6), dbSNP rs41286683, ClinGen allele CA2813238.

ClinVar aggregate classification (germline): Likely benign. Review status: criteria provided, single submitter (1 of 4 stars). 2 submissions from 2 submitters: Likely benign (1). 1 of the submissions does not count toward it. Last evaluated 2019-12-31.

Conditions:
NELFA-related disorder. Also called: NELFA-related condition.

Allele frequency attached by ClinVar (database versions not stated): 1000 Genomes Project 30x 0.00109; 1000 Genomes Project 0.00120; gnomAD exomes 0.00125; ESP Exome Variant Server 0.00147; TOPMed 0.00149; ExAC 0.00150; gnomAD 0.00159 and 0.00162.

Submissions (2):

Labcorp Genetics (formerly Invitae), Labcorp
Classification: Likely benign. Last evaluated: 2019-12-31. Review status: criteria provided, single submitter. Criteria: Invitae Variant Classification Sherloc (09022015). Collection method: clinical testing. Allele origin: germline.

PreventionGenetics, part of Exact Sciences
Classification: Likely benign for NELFA-related condition. Last evaluated: 2022-07-06. Review status: no assertion criteria provided. Collection method: clinical testing. Allele origin: germline. Not counted in ClinVar's aggregate classification.
Comment: This variant is classified as likely benign based on ACMG/AMP sequence variant interpretation guidelines (Richards et al. 2015 PMID: 25741868, with internal and published modifications).